The following is an entry in ClinVar:

NM_001042545.2(LTBP4):c.3315G>A (p.Arg1105=)

Gene: LTBP4 (latent transforming growth factor beta binding protein 4; plus strand). Cytogenetic location: 19q13.2.
Variant type: single nucleotide variant.
Coding change: c.3315G>A on transcript NM_001042545.2 (MANE Select); coding-DNA position 3315, G replaced by A.
Protein change: p.Arg1105=; no amino-acid change (arginine 1105 retained).
Molecular consequence: synonymous variant.
Genome position (GRCh38, 1-based): chr19:40,622,498, G>A. VCF-style: chr19-40622498-G-A. GRCh37 (hg19) VCF-style: chr19-41128403-G-A.
Other names: c.3516G>A, p.Arg1172= (NM_001042544.1); c.3405G>A, p.Arg1135= (NM_003573.2).
Identifiers: ClinVar variation 3014331 (VCV003014331.4), dbSNP rs1376188740, ClinGen allele CA507685231.

ClinVar aggregate classification (germline): Likely benign. Review status: criteria provided, multiple submitters, no conflicts (2 of 4 stars). 2 submissions from 2 submitters: Likely benign (2). Last evaluated 2025-05-27.

Conditions:
LTBP4-related disorder. Also called: LTBP4-related condition.

Allele frequency attached by ClinVar (database versions not stated): gnomAD 0.00001; gnomAD exomes 0.00001; TOPMed 0.00002.
gnomAD v4.1: 11 of 1,613,090 alleles (0.00068%); highest among the groups gnomAD compares: Non-Finnish European, 0.00085%; no homozygotes.

Submissions (2):

PreventionGenetics, part of Exact Sciences
Classification: Likely benign for LTBP4-related condition. Last evaluated: 2025-05-27. Review status: criteria provided, single submitter. Criteria: ACMG Guidelines, 2015. Collection method: clinical testing. Allele origin: germline.
Comment: This variant is classified as likely benign based on ACMG/AMP sequence variant interpretation guidelines (Richards et al. 2015 PMID: 25741868, with internal and published modifications).

Labcorp Genetics (formerly Invitae), Labcorp
Classification: Likely benign. Last evaluated: 2023-06-06. Review status: criteria provided, single submitter. Criteria: Invitae Variant Classification Sherloc (09022015). Collection method: clinical testing. Allele origin: germline.